The following is an entry in ClinVar:

Conditions:
Breast-ovarian cancer, familial, susceptibility to, 1 (BROVCA1). Also called: BRCA1 Hereditary Breast and Ovarian Cancer; OVARIAN CANCER, SUSCEPTIBILITY TO. Identifiers: Orphanet 145, MedGen C2676676, MONDO:0011450, OMIM 604370. Disease mechanism: loss of function.

Submission:

Brotman Baty Institute, University of Washington
No classification provided (evidence only). Condition: Breast-ovarian cancer, familial 1. Review status: no classification provided. Collection method: in vitro. Allele origin: not applicable. Functional consequence: functionally_normal.
ClinVar note: "not provided" was previously submitted as the classification for the variant. However, the classification appeared to be based only on an observation of functional data so it was converted to no classification on 2025-07-30.

NM_007294.4(BRCA1):c.5563A>T (p.Ile1855Leu)

Gene: BRCA1 (BRCA1 DNA repair associated; minus strand). Cytogenetic location: 17q21.31.
Variant type: single nucleotide variant.
Coding change: c.5563A>T on transcript NM_007294.4 (MANE Select); coding-DNA position 5563, A replaced by T.
Protein change: p.Ile1855Leu; replaces isoleucine 1855 with leucine.
Molecular consequence: missense variant. On other transcripts: 3 prime UTR variant (1), non-coding transcript variant (1).
Genome position (GRCh38, 1-based): chr17:43,045,707, T>A on the plus strand (A>T on the coding strand, the complement: BRCA1 is on the minus strand). VCF-style: chr17-43045707-T-A. GRCh37 (hg19) VCF-style: chr17-41197724-T-A.
Other names: c.2041A>T, p.Ile681Leu (NM_001408489.1, NM_001408490.1, NM_001408491.1 and 5 more transcripts); c.2038A>T, p.Ile680Leu (NM_001408492.1, NM_001408493.1); c.2014A>T, p.Ile672Leu (NM_001408494.1); c.2008A>T, p.Ile670Leu (NM_001408495.1); c.1990A>T, p.Ile664Leu (NM_001408496.1, NM_001408497.1, NM_001408498.1 and 3 more transcripts); c.1873A>T, p.Ile625Leu (NM_001408510.1); c.1870A>T, p.Ile624Leu (NM_001408511.1); c.1750A>T, p.Ile584Leu (NM_001408512.1); and 74 more; short protein forms I1808L, I1855L, I751L, I1876L, I1727L, I1766L, I1812L, I1814L.
Identifiers: ClinVar variation 868678 (VCV000868678.3), dbSNP rs2050858402, ClinGen allele CA10590198.
Genomic context (GRCh38, chr17:43,045,707, plus strand): 5'-CCTGTGGCTCTGTACCTGTGGCTGGCTGCAGTCAGTAGTGGCTGTGGGGGATCTGGGGTA[T>A]CAGGTAGGTGTCCAGCTCCTGGCACTGGTAGAGTGCTACACTGTCCAACACCCACTCTCG-3'
Protein context (NP_009225.1, residues 1845-1863): YQCQELDTYL[Ile1855Leu]PQIPHSHY